The following is an entry in ClinVar:

NM_001374828.1(ARID1B):c.4051G>T (p.Gly1351Cys)

Gene: ARID1B (AT-rich interaction domain 1B; plus strand). Cytogenetic location: 6q25.3.
Variant type: single nucleotide variant.
Coding change: c.4051G>T on transcript NM_001374828.1 (MANE Select); coding-DNA position 4051, G replaced by T.
Protein change: p.Gly1351Cys; replaces glycine 1351 with cysteine.
Molecular consequence: missense variant.
Genome position (GRCh38, 1-based): chr6:157,189,773, G>T. VCF-style: chr6-157189773-G-T. GRCh37 (hg19) VCF-style: chr6-157510907-G-T.
Other names: c.3682G>T (NM_020732.3); c.1552G>T, p.Gly518Cys (NM_001363725.2); c.3931G>T, p.Gly1311Cys (NM_001371656.1, NM_001374820.1); c.3892G>T, p.Gly1298Cys (NM_017519.3); short protein forms G1298C, G1311C, G1351C, G518C.
Identifiers: ClinVar variation 1698067 (VCV001698067.3), dbSNP rs2128339076, ClinGen allele CA366234400.

ClinVar aggregate classification (germline): Uncertain significance (1 of 4 stars; one submission).

Submission:

GeneDx
Classification: Uncertain significance. Last evaluated: 2025-06-27. Review status: criteria provided, single submitter. Criteria: GeneDx Variant Classification Process June 2021. Collection method: clinical testing. Allele origin: germline.
Comment: Not observed at significant frequency in large population cohorts (gnomAD); In silico analysis supports that this missense variant has a deleterious effect on protein structure/function; Has not been previously published as pathogenic or benign to our knowledge